The following is an entry in ClinVar:

ClinVar aggregate classification (germline): Uncertain significance (1 of 4 stars; one submission).

Conditions:
Long QT syndrome (LQTS). Identifiers: MedGen C0023976, MeSH D008133, MONDO:0002442. Disease mechanism: loss of function. Inheritance: Various modes of inheritance.

Submission:

Labcorp Genetics (formerly Invitae), Labcorp
Classification: Uncertain significance for Long QT syndrome. Last evaluated: 2023-07-21. Review status: criteria provided, single submitter. Criteria: Invitae Variant Classification Sherloc (09022015). Collection method: clinical testing. Allele origin: germline.
Comment: In summary, the available evidence is currently insufficient to determine the role of this variant in disease. Therefore, it has been classified as a Variant of Uncertain Significance. An algorithm developed to predict the effect of missense changes on protein structure and function (PolyPhen-2) suggests that this variant is likely to be tolerated. ClinVar contains an entry for this variant (Variation ID: 1019409). This variant has not been reported in the literature in individuals affected with AKAP9-related conditions. This variant is not present in population databases (gnomAD no frequency). This sequence change replaces lysine, which is basic and polar, with glutamic acid, which is acidic and polar, at codon 343 of the AKAP9 protein (p.Lys343Glu).

NM_005751.5(AKAP9):c.1027A>G (p.Lys343Glu)

Gene: AKAP9 (A-kinase anchoring protein 9; plus strand). Cytogenetic location: 7q21.2.
Variant type: single nucleotide variant.
Coding change: c.1027A>G on transcript NM_005751.5 (MANE Select); coding-DNA position 1027, A replaced by G.
Protein change: p.Lys343Glu; replaces lysine 343 with glutamic acid.
Molecular consequence: missense variant.
Genome position (GRCh38, 1-based): chr7:92,000,944, A>G. VCF-style: chr7-92000944-A-G. GRCh37 (hg19) VCF-style: chr7-91630258-A-G.
Other names: c.1027A>G, p.Lys343Glu (NM_147185.3); short protein forms K343E.
Identifiers: ClinVar variation 1019409 (VCV001019409.8), dbSNP rs1799080494, ClinGen allele CA368120840.